The following is an entry in ClinVar:

NM_000760.4(CSF3R):c.1037A>C (p.Gln346Pro)

Gene: CSF3R (colony stimulating factor 3 receptor; minus strand). Cytogenetic location: 1p34.3.
Variant type: single nucleotide variant.
Coding change: c.1037A>C on transcript NM_000760.4 (MANE Select); coding-DNA position 1037, A replaced by C.
Protein change: p.Gln346Pro; replaces glutamine 346 with proline.
Molecular consequence: missense variant.
Genome position (GRCh38, 1-based): chr1:36,472,100, T>G on the plus strand (A>C on the coding strand, the complement: CSF3R is on the minus strand). VCF-style: chr1-36472100-T-G. GRCh37 (hg19) VCF-style: chr1-36937701-T-G.
Other names: c.1037A>C, p.Gln346Pro (NM_156039.3, NM_172313.3); short protein forms Q346P.
Identifiers: ClinVar variation 1383570 (VCV001383570.6), dbSNP rs3917974, ClinGen allele CA339422131.
Genomic context (GRCh38, chr1:36,472,100, plus strand): 5'-GAGGGATGGCCTTCAGAGGGAGTCACCTTCCAGAACAGCTGCACTGTCCTGGGGTCCAGC[T>G]GCCTCTGCCGCCACCATGTGTCCAGTCTGACAGTGGGGGCTGTGGATGGAACAAGAAGAG-3'
Protein context (NP_000751.1, residues 336-356): VRLDTWWRQR[Gln346Pro]LDPRTVQLFW

ClinVar aggregate classification (germline): Uncertain significance (1 of 4 stars; one submission).

Conditions:
Autosomal recessive severe congenital neutropenia due to CSF3R deficiency. Also called: Neutropenia, severe congenital, 7, autosomal recessive. Identifiers: Orphanet 420702, MedGen C4310764, MONDO:0014865, OMIM 617014.

Submission:

Labcorp Genetics (formerly Invitae), Labcorp
Classification: Uncertain significance for Autosomal recessive severe congenital neutropenia due to CSF3R deficiency. Last evaluated: 2024-07-26. Review status: criteria provided, single submitter. Criteria: Invitae Variant Classification Sherloc (09022015). Collection method: clinical testing. Allele origin: germline.
Comment: This sequence change replaces glutamine, which is neutral and polar, with proline, which is neutral and non-polar, at codon 346 of the CSF3R protein (p.Gln346Pro). This variant is not present in population databases (gnomAD no frequency). This variant has not been reported in the literature in individuals affected with CSF3R-related conditions. ClinVar contains an entry for this variant (Variation ID: 1383570). Advanced modeling of protein sequence and biophysical properties (such as structural, functional, and spatial information, amino acid conservation, physicochemical variation, residue mobility, and thermodynamic stability) performed at Invitae indicates that this missense variant is not expected to disrupt CSF3R protein function with a negative predictive value of 80%. In summary, the available evidence is currently insufficient to determine the role of this variant in disease. Therefore, it has been classified as a Variant of Uncertain Significance.